The following is an entry in ClinVar:

NM_000238.4(KCNH2):c.1458C>T (p.Pro486=)

Gene: KCNH2 (potassium voltage-gated channel subfamily H member 2; minus strand). Cytogenetic location: 7q36.1.
Variant type: single nucleotide variant.
Coding change: c.1458C>T on transcript NM_000238.4 (MANE Select); coding-DNA position 1458, C replaced by T.
Protein change: p.Pro486=; no amino-acid change (proline 486 retained).
Molecular consequence: synonymous variant. On other transcripts: non-coding transcript variant (2).
Genome position (GRCh38, 1-based): chr7:150,952,524, G>A on the plus strand (C>T on the coding strand, the complement: KCNH2 is on the minus strand). VCF-style: chr7-150952524-G-A. GRCh37 (hg19) VCF-style: chr7-150649612-G-A.
Other names: c.438C>T, p.Pro146= (NM_001204798.2, NM_172057.3); c.1170C>T, p.Pro390= (NM_001406753.1, NM_001406756.1); c.1281C>T, p.Pro427= (NM_001406755.1); c.1158C>T, p.Pro386= (NM_001406757.1); c.1458C>T, p.Pro486= (NM_172056.3).
Identifiers: ClinVar variation 703378 (VCV000703378.30), dbSNP rs376388545, ClinGen allele CA028041.

ClinVar aggregate classification (germline): Likely benign. Review status: criteria provided, multiple submitters, no conflicts (2 of 4 stars). 5 submissions from 5 submitters: Likely benign (5). Last evaluated 2025-12-20.

Conditions:
Long QT syndrome (LQTS). Identifiers: MedGen C0023976, MeSH D008133, MONDO:0002442. Disease mechanism: loss of function. Inheritance: Various modes of inheritance.
Cardiovascular phenotype. Identifiers: MedGen CN230736.
Cardiac arrhythmia. Also called: Cardiac rhythm disease; Arrhythmia. Identifiers: MedGen C0003811, MONDO:0007263, HP:0011675.

Allele frequency attached by ClinVar (database versions not stated): gnomAD 0.00004 and 0.00007; TOPMed 0.00004; gnomAD exomes 0.00005; ExAC 0.00007; ESP Exome Variant Server 0.00008.

Submissions (5):

Labcorp Genetics (formerly Invitae), Labcorp
Classification: Likely benign for Long QT syndrome. Last evaluated: 2025-12-20. Review status: criteria provided, single submitter. Criteria: Invitae Variant Classification Sherloc (09022015). Collection method: clinical testing. Allele origin: germline.

All of Us Research Program, National Institutes of Health
Classification: Likely benign for Long QT syndrome. Last evaluated: 2023-09-17. Review status: criteria provided, single submitter. Criteria: ACMG Guidelines, 2015. Collection method: clinical testing. Allele origin: germline. Inheritance: Autosomal dominant inheritance. Observed: 6 variant alleles, 6 heterozygotes.
Comment: This study involves interpretation of variants in research participants for the purpose of population health screening. Participant phenotype was not available at the time of variant classification. Additional details can be found in publication PMID: 35346344, PMCID: PMC8962531

Blueprint Genetics
Classification: Likely benign. Last evaluated: 2023-08-28. Review status: criteria provided, single submitter. Criteria: ACMG Guidelines, 2015. Collection method: clinical testing. Allele origin: germline.

Ambry Genetics
Classification: Likely benign for Cardiovascular phenotype. Last evaluated: 2023-04-27. Review status: criteria provided, single submitter. Criteria: Ambry Variant Classification Scheme 2023. Collection method: clinical testing. Allele origin: germline.

Color Diagnostics, LLC DBA Color Health
Classification: Likely benign for Arrhythmia. Last evaluated: 2018-11-27. Review status: criteria provided, single submitter. Criteria: ACMG Guidelines, 2015. Collection method: clinical testing. Allele origin: germline.